The following is an entry in ClinVar:

NM_001100.4(ACTA1):c.745G>T (p.Val249Phe)

Gene: ACTA1 (actin alpha 1, skeletal muscle; minus strand). Cytogenetic location: 1q42.13.
Variant type: single nucleotide variant.
Coding change: c.745G>T on transcript NM_001100.4 (MANE Select); coding-DNA position 745, G replaced by T.
Protein change: p.Val249Phe; replaces valine 249 with phenylalanine.
Molecular consequence: missense variant.
Genome position (GRCh38, 1-based): chr1:229,432,057, C>A on the plus strand (G>T on the coding strand, the complement: ACTA1 is on the minus strand). VCF-style: chr1-229432057-C-A. GRCh37 (hg19) VCF-style: chr1-229567804-C-A.
Other names: short protein forms V249F.
Identifiers: ClinVar variation 3685819 (VCV003685819.2).

ClinVar aggregate classification (germline): Uncertain significance (1 of 4 stars; one submission).

Conditions:
Actin accumulation myopathy (CMYO2A). Also called: Myopathy, actin, congenital, with cores; Nemaline myopathy 3, with intranuclear rods; Nemaline myopathy type 3; Myopathy, actin, congenital, with excess of thin myofilaments; CONGENITAL MYOPATHY 2A, TYPICAL, AUTOSOMAL DOMINANT. Identifiers: Orphanet 98904, MedGen C3711389, MONDO:0008070, OMIM 161800.

Submission:

Labcorp Genetics (formerly Invitae), Labcorp
Classification: Uncertain significance for Actin accumulation myopathy. Last evaluated: 2024-07-30. Review status: criteria provided, single submitter. Criteria: Invitae Variant Classification Sherloc (09022015). Collection method: clinical testing. Allele origin: germline.
Comment: This sequence change replaces valine, which is neutral and non-polar, with phenylalanine, which is neutral and non-polar, at codon 249 of the ACTA1 protein (p.Val249Phe). This variant is not present in population databases (gnomAD no frequency). This missense change has been observed in individual(s) with autosomal recessive ACTA1-related conditions (Invitae). In at least one individual the data is consistent with being in trans (on the opposite chromosome) from a pathogenic variant. Advanced modeling of protein sequence and biophysical properties (such as structural, functional, and spatial information, amino acid conservation, physicochemical variation, residue mobility, and thermodynamic stability) performed at Invitae indicates that this missense variant is not expected to disrupt ACTA1 protein function with a negative predictive value of 80%. In summary, the available evidence is currently insufficient to determine the role of this variant in disease. Therefore, it has been classified as a Variant of Uncertain Significance.